The following is an entry in ClinVar:

ClinVar aggregate classification (germline): Uncertain significance (1 of 4 stars; one submission).

Submission:

GeneDx
Classification: Uncertain significance. Last evaluated: 2026-02-28. Review status: criteria provided, single submitter. Criteria: GeneDx Variant Classification Process June 2021. Collection method: clinical testing. Allele origin: germline.
Comment: In silico analysis supports that this missense variant has a deleterious effect on protein structure/function; Has not been previously published as pathogenic or benign to our knowledge

NM_001256012.3(MYH10):c.719A>T (p.Asn240Ile)

Gene: MYH10 (myosin heavy chain 10; minus strand). Cytogenetic location: 17p13.1.
Variant type: single nucleotide variant.
Coding change: c.719A>T on transcript NM_001256012.3 (MANE Select); coding-DNA position 719, A replaced by T.
Protein change: p.Asn240Ile; replaces asparagine 240 with isoleucine.
Molecular consequence: missense variant.
Genome position (GRCh38, 1-based): chr17:8,569,757, T>A on the plus strand (A>T on the coding strand, the complement: MYH10 is on the minus strand). VCF-style: chr17-8569757-T-A. GRCh37 (hg19) VCF-style: chr17-8473075-T-A.
Other names: c.716A>T, p.Asn239Ile (NM_001256095.2); c.719A>T, p.Asn240Ile (NM_001375266.1); c.689A>T, p.Asn230Ile (NM_005964.5); short protein forms N230I, N239I, N240I.
Identifiers: ClinVar variation 4975223 (VCV004975223.1).